The following is an entry in ClinVar:

NM_004560.4(ROR2):c.584C>T (p.Ser195Leu)

Gene: ROR2 (receptor tyrosine kinase like orphan receptor 2; minus strand). Cytogenetic location: 9q22.31.
Variant type: single nucleotide variant.
Coding change: c.584C>T on transcript NM_004560.4 (MANE Select); coding-DNA position 584, C replaced by T.
Protein change: p.Ser195Leu; replaces serine 195 with leucine.
Molecular consequence: missense variant.
Genome position (GRCh38, 1-based): chr9:91,737,429, G>A on the plus strand (C>T on the coding strand, the complement: ROR2 is on the minus strand). VCF-style: chr9-91737429-G-A. GRCh37 (hg19) VCF-style: chr9-94499711-G-A.
Other names: c.584C>T, p.Ser195Leu (NM_001318204.2); short protein forms S195L.
Identifiers: ClinVar variation 3616746 (VCV003616746.2).

ClinVar aggregate classification (germline): Uncertain significance (1 of 4 stars; one submission).

gnomAD v4.1: 9 of 1,614,100 alleles (0.00056%); highest among the groups gnomAD compares: South Asian, 0.0011%; no homozygotes.

Submission:

Labcorp Genetics (formerly Invitae), Labcorp
Classification: Uncertain significance. Last evaluated: 2024-10-29. Review status: criteria provided, single submitter. Criteria: Invitae Variant Classification Sherloc (09022015). Collection method: clinical testing. Allele origin: germline.
Comment: This sequence change replaces serine, which is neutral and polar, with leucine, which is neutral and non-polar, at codon 195 of the ROR2 protein (p.Ser195Leu). This variant is not present in population databases (gnomAD no frequency). This variant has not been reported in the literature in individuals affected with ROR2-related conditions. Invitae Evidence Modeling of protein sequence and biophysical properties (such as structural, functional, and spatial information, amino acid conservation, physicochemical variation, residue mobility, and thermodynamic stability) indicates that this missense variant is expected to disrupt ROR2 protein function with a positive predictive value of 80%. In summary, the available evidence is currently insufficient to determine the role of this variant in disease. Therefore, it has been classified as a Variant of Uncertain Significance.